The following is an entry in ClinVar:

NM_000091.5(COL4A3):c.123_124delinsAA (p.Cys41_Asp42delinsTer)

Genes: MFF-DT (MFF divergent transcript; minus strand), COL4A3 (collagen type IV alpha 3 chain; plus strand). Cytogenetic location: 2q36.3.
Variant type: Indel.
Coding change: c.123_124delinsAA on transcript NM_000091.5 (MANE Select); coding-DNA positions 123 to 124, TG replaced by AA.
Protein change: p.Cys41_Asp42delinsTer.
Molecular consequence: nonsense.
Genome position (GRCh38, 1-based): chr2:227,238,003-227,238,004, TG replaced by AA. VCF-style: chr2-227238003-TG-AA. GRCh37 (hg19) VCF-style: chr2-228102719-TG-AA.
Other names: short protein forms C41*.
Identifiers: ClinVar variation 3066088 (VCV003066088.1), dbSNP rs2469447838, ClinGen allele CA2740098044.
Genomic context (GRCh38, chr2:227,238,003, plus strand): 5'-ACCCTTTCTCTTTCCCTCTTCCTAGGGTTGTGTCTGTAAAGACAAAGGCCAGTGCTTCTG[TG>AA]ACGGGGCCAAAGGGGAGAAGGTAAAAACAAACCCTAATACTGCTTGTTTACACTGTAAAG-3'

ClinVar aggregate classification (germline): Likely pathogenic (1 of 4 stars; one submission).

Conditions:
Autosomal dominant Alport syndrome (ATS3A). Also called: ALPORT SYNDROME 3A, AUTOSOMAL DOMINANT; Alport syndrome dominant type; Renal failure and sensorineural hearing loss. Identifiers: Orphanet 63, Orphanet 88918, MedGen C5882663, MONDO:0007086, OMIM 104200.

Submission:

MVZ Medizinische Genetik Mainz
Classification: Likely pathogenic for Autosomal dominant Alport syndrome. Last evaluated: 2023-06-02. Review status: criteria provided, single submitter. Criteria: UK Practice Guidelines For Variant Classification V4 01 2020. Collection method: clinical testing. Allele origin: germline. Inheritance: Autosomal dominant inheritance. Affected: yes. Observed: 1 variant allele.
Comment: ACMG Criteria: PVS1,PM2_SUP